The following is an entry in ClinVar:

ClinVar aggregate classification (germline): Uncertain significance (1 of 4 stars; one submission).

Conditions:
Primary hyperoxaluria, type II (HP2). Also called: OXALOSIS II; Primary hyperoxaluria type 2; D-GLYCERATE DEHYDROGENASE DEFICIENCY; GLYCERIC ACIDURIA; GLYOXYLATE REDUCTASE/HYDROXYPYRUVATE REDUCTASE DEFICIENCY. Identifiers: Orphanet 416, Orphanet 93599, MedGen C0268165, MONDO:0009824, OMIM 260000. Disease mechanism: loss of function.

Submission:

Myriad Genetics, Inc.
Classification: Uncertain significance for Primary hyperoxaluria, type II. Last evaluated: 2025-10-10. Review status: criteria provided, single submitter. Criteria: Myriad Autosomal Dominant, Autosomal Recessive and X-Linked Classification Criteria (2023). Collection method: clinical testing. Allele origin: unknown.
Comment: NM_012203.1(GRHPR):c.982delC(L328Cfs*39) is a frameshift variant that results in protein elongation classified as a variant of uncertain significance in the context of primary hyperoxaluria type 2. L328Cfs*39 has not been observed in cases with relevant disease. Relevant functional assessments of this variant are not available in the literature. L328Cfs*39 has not been observed in referenced population frequency databases. In summary, there is insufficient evidence to classify NM_012203.1(GRHPR):c.982delC(L328Cfs*39) as pathogenic or benign. Please note: this variant was assessed in the context of healthy population screening.

NM_012203.2(GRHPR):c.982del (p.Leu328fs)

Gene: GRHPR (glyoxylate and hydroxypyruvate reductase; plus strand). Cytogenetic location: 9p13.2.
Variant type: Deletion.
Coding change: c.982del on transcript NM_012203.2 (MANE Select); coding-DNA position 982, one base deleted (C; older notation c.982delC).
Protein change: p.Leu328fs; shifts the reading frame from leucine 328.
Molecular consequence: frameshift variant.
Genome position (GRCh38, 1-based): chr9:37,436,777, C deleted. VCF-style (leftmost placement, unchanged base first): chr9-37436776-GC-G. GRCh37 (hg19) VCF-style: chr9-37436773-GC-G.
Other names: short protein forms L328fs.
Identifiers: ClinVar variation 5004219 (VCV005004219.1).
Genomic context (GRCh38, chr9:37,436,776, plus strand): 5'-GTTGGCAGCTAACAACTTGCTGGCTGGCCTGAGAGGGGAGCCGATGCCTAGTGAACTCAA[GC>G]TGTAGCCAAACAGTAGAGATGGAGGGCCGGGAAGCAAACCGTGCCCTGGTATTGTCAGAC-3'